The following is an entry in ClinVar:

ClinVar aggregate classification (germline): Benign/Likely benign. Review status: criteria provided, multiple submitters, no conflicts (2 of 4 stars). 8 submissions from 8 submitters: Benign (4); Likely benign (4). Last evaluated 2026-01-28.

Allele frequency attached by ClinVar (database versions not stated): gnomAD exomes 0.00047 and 0.00131; ExAC 0.00153; 1000 Genomes Project 30x 0.00328; 1000 Genomes Project 0.00339; ESP Exome Variant Server 0.00472; gnomAD 0.00523 and 0.00580; TOPMed 0.00551.
gnomAD v4.1: 1,512 of 1,613,186 alleles (0.094%); highest among the groups gnomAD compares: African/African-American, 1.8%; 7 homozygotes.

Submissions (8):

Labcorp Genetics (formerly Invitae), Labcorp
Classification: Benign. Last evaluated: 2026-01-28. Review status: criteria provided, single submitter. Criteria: Invitae Variant Classification Sherloc (09022015). Collection method: clinical testing. Allele origin: germline.

CeGaT Center for Human Genetics Tuebingen
Classification: Likely benign. Last evaluated: 2026-01-01. Review status: criteria provided, single submitter. Criteria: CeGaT Center For Human Genetics Tuebingen Variant Classification Criteria Version 2. Collection method: clinical testing. Allele origin: germline. Affected: yes. Observed: 3 variant alleles.
Comment: COQ2: BP4, BS1

Mayo Clinic Laboratories, Mayo Clinic
Classification: Benign. Last evaluated: 2024-11-22. Review status: criteria provided, single submitter. Criteria: ACMG Guidelines, 2015. Collection method: clinical testing. Allele origin: germline. Observed: 17 variant alleles.
Comment: BS1, BS2, BP4

Blueprint Genetics
Classification: Likely benign. Last evaluated: 2024-10-02. Review status: criteria provided, single submitter. Criteria: ACMG Guidelines, 2015. Collection method: clinical testing. Allele origin: germline.

Center for Pediatric Genomic Medicine, Children's Mercy Hospital and Clinics
Classification: Likely benign. Last evaluated: 2016-07-11. Review status: criteria provided, single submitter. Criteria: ACMG Guidelines, 2015. Collection method: clinical testing. Allele origin: germline.
ClinVar note: Converted during submission from Likely Benign to Likely benign.

GeneDx
Classification: Benign. Last evaluated: 2014-04-23. Review status: criteria provided, single submitter. Criteria: GeneDx Variant Classification (06012015). Collection method: clinical testing. Allele origin: germline. Affected: yes.
Comment: This variant is considered likely benign or benign based on one or more of the following criteria: it is a conservative change, it occurs at a poorly conserved position in the protein, it is predicted to be benign by multiple in silico algorithms, and/or has population frequency not consistent with disease.

Breakthrough Genomics
Classification: Likely benign. Review status: criteria provided, single submitter. Criteria: ACMG Guidelines, 2015. Collection method: not provided. Allele origin: germline. Inheritance: Autosomal recessive inheritance. Affected: yes.

PreventionGenetics, part of Exact Sciences
Classification: Benign. Review status: criteria provided, single submitter. Criteria: ACMG Guidelines, 2015. Collection method: clinical testing. Allele origin: germline.

Literature cited by the submitters: PubMed 28658201 (cited by Mayo Clinic Laboratories, Mayo Clinic).

NM_001358921.2(COQ2):c.424A>G (p.Thr142Ala)

Gene: COQ2 (coenzyme Q2, polyprenyltransferase; minus strand). Cytogenetic location: 4q21.23.
Variant type: single nucleotide variant.
Coding change: c.424A>G on transcript NM_001358921.2 (MANE Select); coding-DNA position 424, A replaced by G.
Protein change: p.Thr142Ala; replaces threonine 142 with alanine.
Molecular consequence: missense variant.
Genome position (GRCh38, 1-based): chr4:83,273,614, T>C on the plus strand (A>G on the coding strand, the complement: COQ2 is on the minus strand). VCF-style: chr4-83273614-T-C. GRCh37 (hg19) VCF-style: chr4-84194767-T-C.
Other names: p.T192A:ACA>GCA; p.Thr192Ala; c.574A>G, p.Thr192Ala (NM_015697.9); c.574A>G (NM_015697.8); short protein forms T192A, T142A.
Identifiers: ClinVar variation 136972 (VCV000136972.38), dbSNP rs144913206, ClinGen allele CA290420.